The following is an entry in ClinVar:

ClinVar aggregate classification (germline): Uncertain significance (1 of 4 stars; one submission).

Conditions:
Pityriasis rubra pilaris (PRP). Also called: Pityriasis rubra pilaris--familial type. Identifiers: Orphanet 2897, MedGen C0032027, MONDO:0100017, OMIM 173200, MONDO:0008251.
Psoriasis 2. Identifiers: MedGen C1864497, MONDO:0011269, OMIM 602723.

Submission:

Labcorp Genetics (formerly Invitae), Labcorp
Classification: Uncertain significance for Pityriasis rubra pilaris; Psoriasis 2. Last evaluated: 2024-12-11. Review status: criteria provided, single submitter. Criteria: Invitae Variant Classification Sherloc (09022015). Collection method: clinical testing. Allele origin: germline.
Comment: This sequence change replaces aspartic acid, which is acidic and polar, with glycine, which is neutral and non-polar, at codon 15 of the CARD14 protein (p.Asp15Gly). The frequency data for this variant in the population databases is considered unreliable, as metrics indicate poor data quality at this position in the gnomAD database. This variant has not been reported in the literature in individuals affected with CARD14-related conditions. Invitae Evidence Modeling of protein sequence and biophysical properties (such as structural, functional, and spatial information, amino acid conservation, physicochemical variation, residue mobility, and thermodynamic stability) indicates that this missense variant is not expected to disrupt CARD14 protein function with a negative predictive value of 95%. In summary, the available evidence is currently insufficient to determine the role of this variant in disease. Therefore, it has been classified as a Variant of Uncertain Significance.

NM_001366385.1(CARD14):c.44A>G (p.Asp15Gly)

Gene: CARD14 (caspase recruitment domain family member 14; plus strand). Cytogenetic location: 17q25.3.
Variant type: single nucleotide variant.
Coding change: c.44A>G on transcript NM_001366385.1 (MANE Select); coding-DNA position 44, A replaced by G.
Protein change: p.Asp15Gly; replaces aspartic acid 15 with glycine.
Molecular consequence: missense variant. On other transcripts: non-coding transcript variant (1).
Genome position (GRCh38, 1-based): chr17:80,181,482, A>G. VCF-style: chr17-80181482-A-G. GRCh37 (hg19) VCF-style: chr17-78155281-A-G.
Other names: c.44A>G, p.Asp15Gly (NM_001257970.1, NM_024110.4); short protein forms D15G.
Identifiers: ClinVar variation 3749428 (VCV003749428.2).